The following is an entry in ClinVar:

NM_000051.4(ATM):c.3525C>T (p.Ala1175=)

Gene: ATM (ATM serine/threonine kinase; plus strand). Cytogenetic location: 11q22.3.
Variant type: single nucleotide variant.
Coding change: c.3525C>T on transcript NM_000051.4 (MANE Select); coding-DNA position 3525, C replaced by T.
Protein change: p.Ala1175=; no amino-acid change (alanine 1175 retained).
Molecular consequence: synonymous variant.
Genome position (GRCh38, 1-based): chr11:108,281,117, C>T. VCF-style: chr11-108281117-C-T. GRCh37 (hg19) VCF-style: chr11-108151844-C-T.
Other names: c.3525C>T, p.Ala1175= (NM_001351834.2).
Identifiers: ClinVar variation 2024815 (VCV002024815.5), dbSNP rs2135669148, ClinGen allele CA476672935.

ClinVar aggregate classification (germline): Benign/Likely benign. Review status: criteria provided, multiple submitters, no conflicts (2 of 4 stars). 2 submissions from 2 submitters: Benign (1); Likely benign (1). Last evaluated 2024-05-14.

Conditions:
Familial cancer of breast. Also called: BREAST CANCER, FAMILIAL; hereditary breast carcinoma; Hereditary breast cancer. Identifiers: Orphanet 227535, MedGen C0346153, MONDO:0016419, OMIM 114480. Disease mechanism: loss of function.
Ataxia-telangiectasia syndrome (AT). Also called: Ataxia-telangiectasia; AT, COMPLEMENTATION GROUP C; ATAXIA-TELANGIECTASIA, FRESNO VARIANT; Ataxia-telangiectasia, complementation group D; Ataxia-telangiectasia, complementation group E; LOUIS-BAR SYNDROME. Identifiers: Orphanet 100, MedGen C0004135, MONDO:0008840, OMIM 208900.

Allele frequency attached by ClinVar (database versions not stated): gnomAD exomes below 0.00001.
gnomAD v4.1: 1 of 1,613,718 alleles (0.000062%); highest among the groups gnomAD compares: Non-Finnish European, 0.000085%; no homozygotes.

Submissions (2):

Myriad Genetics, Inc.
Classification: Benign for Familial cancer of breast. Last evaluated: 2024-05-14. Review status: criteria provided, single submitter. Criteria: Myriad Autosomal Dominant, Autosomal Recessive and X-Linked Classification Criteria (2023). Collection method: clinical testing. Allele origin: unknown.
Comment: This variant is considered benign. This variant is a silent/synonymous amino acid change and it is not expected to impact splicing.

Labcorp Genetics (formerly Invitae), Labcorp
Classification: Likely benign for Ataxia-telangiectasia syndrome. Last evaluated: 2022-08-19. Review status: criteria provided, single submitter. Criteria: Invitae Variant Classification Sherloc (09022015). Collection method: clinical testing. Allele origin: germline.